The following is an entry in ClinVar:

NM_002693.3(POLG):c.3415T>G (p.Tyr1139Asp)

Gene: POLG (DNA polymerase gamma, catalytic subunit; minus strand). Cytogenetic location: 15q26.1.
Variant type: single nucleotide variant.
Coding change: c.3415T>G on transcript NM_002693.3 (MANE Select); coding-DNA position 3415, T replaced by G.
Protein change: p.Tyr1139Asp; replaces tyrosine 1139 with aspartic acid.
Molecular consequence: missense variant.
Genome position (GRCh38, 1-based): chr15:89,318,608, A>C on the plus strand (T>G on the coding strand, the complement: POLG is on the minus strand). VCF-style: chr15-89318608-A-C. GRCh37 (hg19) VCF-style: chr15-89861839-A-C.
Other names: c.3415T>G, p.Tyr1139Asp (NM_001126131.2); short protein forms Y1139D.
Identifiers: ClinVar variation 2702345 (VCV002702345.3), dbSNP rs1223325480, ClinGen allele CA393749776.

ClinVar aggregate classification (germline): Uncertain significance (1 of 4 stars; one submission).

Conditions:
Progressive sclerosing poliodystrophy (MTDPS4A). Also called: ALPERS PROGRESSIVE INFANTILE POLIODYSTROPHY; NEURONAL DEGENERATION OF CHILDHOOD WITH LIVER DISEASE, PROGRESSIVE; Mitochondrial DNA depletion syndrome 4A (Alpers type); Mitochondrial DNA Depletion Syndrome 4A; Alpers-Huttenlocher Syndrome (AHS); Alpers Syndrome. Identifiers: Orphanet 726, MedGen C0205710, MONDO:0008758, OMIM 203700.

Allele frequency attached by ClinVar (database versions not stated): gnomAD 0.00001.
gnomAD v4.1: 1 of 1,614,082 alleles (0.000062%); highest among the groups gnomAD compares: Non-Finnish European, 0.000085%; no homozygotes.

Submission:

Labcorp Genetics (formerly Invitae), Labcorp
Classification: Uncertain significance for Progressive sclerosing poliodystrophy. Last evaluated: 2023-06-09. Review status: criteria provided, single submitter. Criteria: Invitae Variant Classification Sherloc (09022015). Collection method: clinical testing. Allele origin: germline.
Comment: This variant is not present in population databases (gnomAD no frequency). This sequence change replaces tyrosine, which is neutral and polar, with aspartic acid, which is acidic and polar, at codon 1139 of the POLG protein (p.Tyr1139Asp). This variant has not been reported in the literature in individuals affected with POLG-related conditions. In summary, the available evidence is currently insufficient to determine the role of this variant in disease. Therefore, it has been classified as a Variant of Uncertain Significance. Advanced modeling of protein sequence and biophysical properties (such as structural, functional, and spatial information, amino acid conservation, physicochemical variation, residue mobility, and thermodynamic stability) performed at Invitae indicates that this missense variant is expected to disrupt POLG protein function.